The following is an entry in ClinVar:

ClinVar aggregate classification (germline): Conflicting classifications of pathogenicity. Review status: criteria provided, conflicting classifications (1 of 4 stars). 9 submissions from 9 submitters: Uncertain significance (4); Benign (2); Likely benign (2). 1 of the submissions does not count toward it. Last evaluated 2025-12-23.

Conditions:
Hereditary cancer-predisposing syndrome. Also called: Tumor predisposition; Hereditary Cancer Syndrome; Neoplastic Syndromes, Hereditary; Hereditary neoplastic syndrome. Identifiers: Orphanet 140162, MedGen C0027672, MeSH D009386, MONDO:0015356.
Tuberous sclerosis 2 (TSC2). Identifiers: Orphanet 805, MedGen C1860707, MONDO:0013199, OMIM 613254.
Tuberous sclerosis syndrome (TSC). Also called: Tuberous Sclerosis Complex; Tuberous sclerosis. Identifiers: Orphanet 805, MedGen C0041341, MONDO:0001734.
Autism spectrum disorder. Also called: Autism spectrum disorders. Identifiers: MedGen C1510586, MeSH D000067877, MONDO:0005258.

Allele frequency attached by ClinVar (database versions not stated): ExAC 0.00001; gnomAD exomes 0.00001; TOPMed 0.00002; gnomAD 0.00003.
gnomAD v4.1: 41 of 1,614,110 alleles (0.0025%); highest among the groups gnomAD compares: Non-Finnish European, 0.0034%; no homozygotes.

Submissions (9):

Labcorp Genetics (formerly Invitae), Labcorp
Classification: Benign for Tuberous sclerosis 2. Last evaluated: 2025-12-23. Review status: criteria provided, single submitter. Criteria: Invitae Variant Classification Sherloc (09022015). Collection method: clinical testing. Allele origin: germline.

All of Us Research Program, National Institutes of Health
Classification: Uncertain significance for Tuberous sclerosis syndrome. Last evaluated: 2024-06-09. Review status: criteria provided, single submitter. Criteria: ACMG Guidelines, 2015. Collection method: clinical testing. Allele origin: germline. Inheritance: Autosomal dominant inheritance. Observed: 4 variant alleles, 4 heterozygotes.
Comment: This missense variant replaces histidine with aspartic acid at codon 152 of the TSC2 protein. Computational prediction suggests that this variant may not impact protein structure and function (internally defined REVEL score threshold <= 0.5, PMID: 27666373). To our knowledge, functional studies have not been reported for this variant. This variant has not been reported in individuals affected with TSC2-related disorders in the literature. This variant has been identified in 4/282888 chromosomes in the general population by the Genome Aggregation Database (gnomAD). The available evidence is insufficient to determine the role of this variant in disease conclusively. Therefore, this variant is classified as a Variant of Uncertain Significance.

This study involves interpretation of variants in research participants for the purpose of population health screening. Participant phenotype was not available at the time of variant classification. Additional details can be found in publication PMID: 35346344, PMCID: PMC8962531

Color Diagnostics, LLC DBA Color Health
Classification: Uncertain significance for Tuberous sclerosis syndrome. Last evaluated: 2024-05-23. Review status: criteria provided, single submitter. Criteria: ACMG Guidelines, 2015. Collection method: clinical testing. Allele origin: germline.
Comment: This missense variant replaces histidine with aspartic acid at codon 152 of the TSC2 protein. Computational prediction suggests that this variant may not impact protein structure and function. To our knowledge, functional studies have not been reported for this variant. This variant has not been reported in individuals affected with TSC2-related disorders in the literature. This variant has been identified in 4/282888 chromosomes in the general population by the Genome Aggregation Database (gnomAD). The available evidence is insufficient to determine the role of this variant in disease conclusively. Therefore, this variant is classified as a Variant of Uncertain Significance.

Quest Diagnostics Nichols Institute San Juan Capistrano
Classification: Uncertain significance. Last evaluated: 2024-02-08. Review status: criteria provided, single submitter. Criteria: Quest Diagnostics criteria. Collection method: clinical testing. Allele origin: unknown.

Ambry Genetics
Classification: Likely benign for Hereditary cancer-predisposing syndrome. Last evaluated: 2023-10-04. Review status: criteria provided, single submitter. Criteria: Ambry Variant Classification Scheme 2023. Collection method: clinical testing. Allele origin: germline.

Genome-Nilou Lab
Classification: Benign for Tuberous sclerosis 2. Last evaluated: 2021-11-07. Review status: criteria provided, single submitter. Criteria: ACMG Guidelines, 2015. Collection method: clinical testing. Allele origin: germline. Affected: no.

Sema4
Classification: Uncertain significance for Hereditary cancer-predisposing syndrome. Last evaluated: 2021-08-06. Review status: criteria provided, single submitter. Criteria: Sema4 Curation Guidelines. Collection method: curation. Allele origin: germline.
Comment: To the best of our knowledge, the TSC2 c.454C>G (p.H152D) variant has not been reported in individuals with TSC2-related cancer. This variant was observed in 4/129192 chromosomes in the European (non-Finnish) population according to the Genome Aggregation Database (PMID: 32461654) and has been reported in ClinVar (Variation ID: 65379). Functional studies have not been performed, and in silico predictions of the variant's effect on protein function are inconclusive. Based on the current evidence available, this variant is interpreted as a variant of uncertain significance.

GeneDx
Classification: Likely benign. Last evaluated: 2020-10-05. Review status: criteria provided, single submitter. Criteria: GeneDx Variant Classification Process June 2021. Collection method: clinical testing. Allele origin: germline. Affected: yes.
Comment: This variant is associated with the following publications: (PMID: 31623367, 23514105)

Tuberous sclerosis database (TSC2)
No classification provided. Condition: ASD. Review status: no classification provided. Criteria: Tuberous Sclerosis Database Assertion Criteria 2015. Collection method: curation. Allele origin: germline. Affected: yes. Not counted in ClinVar's aggregate classification.

Literature cited by the submitters: PubMed 23514105 (cited by Quest Diagnostics Nichols Institute San Juan Capistrano).

NM_000548.5(TSC2):c.454C>G (p.His152Asp)

Gene: TSC2 (TSC complex subunit 2; plus strand). Cytogenetic location: 16p13.3.
Variant type: single nucleotide variant.
Coding change: c.454C>G on transcript NM_000548.5 (MANE Select); coding-DNA position 454, C replaced by G.
Protein change: p.His152Asp; replaces histidine 152 with aspartic acid.
Molecular consequence: missense variant. On other transcripts: intron variant (1).
Genome position (GRCh38, 1-based): chr16:2,054,413, C>G. VCF-style: chr16-2054413-C-G. GRCh37 (hg19) VCF-style: chr16-2104414-C-G.
Other names: c.454C>G, p.His152Asp (NM_001077183.3, NM_001114382.3, NM_001363528.2 and 3 more transcripts); c.343C>G, p.His115Asp (NM_001318827.2); c.307C>G, p.His103Asp (NM_001318829.2); c.487C>G, p.His163Asp (NM_001318832.2); c.-1-1783C>G (NM_001318831.2); short protein forms H152D, H115D, H103D, H163D.
Identifiers: ClinVar variation 65379 (VCV000065379.23), dbSNP rs397515285, ClinGen allele CA020642.